The following is an entry in ClinVar:

NM_003995.4(NPR2):c.866C>A (p.Ala289Asp)

Gene: NPR2 (natriuretic peptide receptor 2; plus strand). Cytogenetic location: 9p13.3.
Variant type: single nucleotide variant.
Coding change: c.866C>A on transcript NM_003995.4 (MANE Select); coding-DNA position 866, C replaced by A.
Protein change: p.Ala289Asp; replaces alanine 289 with aspartic acid.
Molecular consequence: missense variant.
Genome position (GRCh38, 1-based): chr9:35,794,096, C>A. VCF-style: chr9-35794096-C-A. GRCh37 (hg19) VCF-style: chr9-35794093-C-A.
Other names: short protein forms A289D.
Identifiers: ClinVar variation 873133 (VCV000873133.2), dbSNP rs915823109, ClinGen allele CA373368081.

ClinVar aggregate classification (germline): Uncertain significance (1 of 4 stars; one submission).

Conditions:
Acromesomelic dysplasia 1, Maroteaux type (AMD1). Also called: ACROMESOMELIC DYSPLASIA 1; ST. HELENA DYSPLASIA. Identifiers: Orphanet 40, MedGen C1864356, MONDO:0011275, OMIM 602875.

Allele frequency attached by ClinVar (database versions not stated): gnomAD exomes below 0.00001.

Submission:

Hacettepe Genetic Diseases Diagnosis Center, Hacettepe University Faculty of Medicine
Classification: Uncertain significance for Acromesomelic dysplasia 1, Maroteaux type. Last evaluated: 2020-05-06. Review status: criteria provided, single submitter. Criteria: ACMG Guidelines, 2015. Collection method: clinical testing. Allele origin: germline. Inheritance: Autosomal recessive inheritance. Affected: yes. Observed: 1 compound heterozygote.
Comment: Of these two variants, one is a missense variant (c.866C>A, p.Ala289Asp) which has not been reported previously. This variant was neither found in ExAC nor 1000G. This variant was classified as uncertain significance according to the ACMG guidelines and predicted to be disease causing by in silico pathogenicity prediction tools such as MutationTaster.